The following is an entry in ClinVar:

NM_177398.4(LMX1A):c.714C>T (p.Val238=)

Genes: LMX1A (LIM homeobox transcription factor 1 alpha; minus strand), LMX1A-AS2 (LMX1A antisense RNA 2; plus strand). Cytogenetic location: 1q23.3.
Variant type: single nucleotide variant.
Coding change: c.714C>T on transcript NM_177398.4 (MANE Select); coding-DNA position 714, C replaced by T.
Protein change: p.Val238=; no amino-acid change (valine 238 retained).
Molecular consequence: synonymous variant.
Genome position (GRCh38, 1-based): chr1:165,210,732, G>A on the plus strand (C>T on the coding strand, the complement: LMX1A is on the minus strand). VCF-style: chr1-165210732-G-A. GRCh37 (hg19) VCF-style: chr1-165179969-G-A.
Other names: c.714C>T, p.Val238= (NM_001174069.2).
Identifiers: ClinVar variation 3239234 (VCV003239234.19), dbSNP rs1242644447.

ClinVar aggregate classification (germline): Uncertain significance (1 of 4 stars; one submission).

Allele frequency attached by ClinVar (database versions not stated): gnomAD exomes 0.00001; TOPMed 0.00002.
gnomAD v4.1: 16 of 1,613,986 alleles (0.00099%); highest among the groups gnomAD compares: South Asian, 0.0044%; no homozygotes.

Submission:

CeGaT Center for Human Genetics Tuebingen
Classification: Uncertain significance. Last evaluated: 2024-05-01. Review status: criteria provided, single submitter. Criteria: CeGaT Center For Human Genetics Tuebingen Variant Classification Criteria Version 2. Collection method: clinical testing. Allele origin: germline. Affected: yes. Observed: 1 variant allele.
Comment: LMX1A: PM2:Supporting